The following is an entry in ClinVar:

ClinVar aggregate classification (germline): Uncertain significance. Review status: criteria provided, multiple submitters, no conflicts (2 of 4 stars). 2 submissions from 2 submitters: Uncertain significance (2). Last evaluated 2025-10-23.

Conditions:
Epidermolysis bullosa simplex 3, localized or generalized intermediate, with BP230 deficiency (EBS3). Also called: Epidermolysis bullosa simplex due to BP230 deficiency; Epidermolysis bullosa simplex, autosomal recessive 2. Identifiers: Orphanet 412181, MedGen C3809470, MONDO:0014180, OMIM 615425.
Hereditary sensory and autonomic neuropathy type 6. Also called: HSAN VI; Neuropathy, hereditary sensory and autonomic, type VI. Identifiers: Orphanet 314381, MedGen C3539003, MONDO:0013839, OMIM 614653.

Allele frequency attached by ClinVar (database versions not stated): gnomAD 0.00001; TOPMed 0.00002.
gnomAD v4.1: 3 of 1,611,502 alleles (0.00019%); highest among the groups gnomAD compares: Non-Finnish European, 0.00025%; no homozygotes.

Submissions (2):

Women's Health and Genetics/Laboratory Corporation of America, LabCorp
Classification: Uncertain significance. Last evaluated: 2025-10-23. Review status: criteria provided, single submitter. Criteria: LabCorp Variant Classification Summary - May 2015. Collection method: clinical testing. Allele origin: germline.
Comment: Variant summary: DST c.6352G>T (p.Gly2118Cys) results in a non-conservative amino acid change in the encoded protein sequence. Algorithms developed to predict the effect of missense changes on protein structure and function are either unavailable or do not agree on the potential impact of this missense change. The variant allele was found at a frequency of 4e-06 in 249804 control chromosomes. The available data on variant occurrences in the general population are insufficient to allow any conclusion about variant significance. To our knowledge, no occurrence of c.6352G>T in individuals affected with DST-related conditions and no experimental evidence demonstrating its impact on protein function have been reported. ClinVar contains an entry for this variant (Variation ID: 662221). Based on the evidence outlined above, the variant was classified as uncertain significance.

Labcorp Genetics (formerly Invitae), Labcorp
Classification: Uncertain significance for Epidermolysis bullosa simplex 3, localized or generalized intermediate, with BP230 deficiency; Hereditary sensory and autonomic neuropathy type 6. Last evaluated: 2020-02-15. Review status: criteria provided, single submitter. Criteria: Invitae Variant Classification Sherloc (09022015). Collection method: clinical testing. Allele origin: germline.
Comment: This sequence change replaces glycine with cysteine at codon 2118 of the DST protein (p.Gly2118Cys). The glycine residue is weakly conserved and there is a large physicochemical difference between glycine and cysteine. The frequency data for this variant in the population databases is considered unreliable, as metrics indicate poor data quality at this position in the ExAC database. This variant has not been reported in the literature in individuals with DST-related conditions. Algorithms developed to predict the effect of missense changes on protein structure and function are either unavailable or do not agree on the potential impact of this missense change (SIFT: "Deleterious"; PolyPhen-2: "Probably Damaging"; Align-GVGD: "Class C15"). In summary, the available evidence is currently insufficient to determine the role of this variant in disease. Therefore, it has been classified as a Variant of Uncertain Significance.

NM_001723.7(DST):c.6352G>T (p.Gly2118Cys)

Gene: DST (dystonin; minus strand). Cytogenetic location: 6p12.1.
Variant type: single nucleotide variant.
Coding change: c.6352G>T on transcript NM_001723.7 (MANE Plus Clinical); coding-DNA position 6352, G replaced by T.
Protein change: p.Gly2118Cys; replaces glycine 2118 with cysteine.
Molecular consequence: missense variant. On other transcripts: intron variant (10).
Genome position (GRCh38, 1-based): chr6:56,617,115, C>A on the plus strand (G>T on the coding strand, the complement: DST is on the minus strand). VCF-style: chr6-56617115-C-A. GRCh37 (hg19) VCF-style: chr6-56481913-C-A.
Other names: c.4831-2631G>T (NM_001144769.5); c.4930-2631G>T (NM_001374722.1, NM_001374736.1); c.4957-2631G>T (NM_001374734.1); c.4417-2631G>T (NM_001144770.2); c.4297-2631G>T (NM_001374730.1, NM_001386100.1, NM_183380.4 and 1 more transcripts); c.3319-2631G>T (NM_015548.5); short protein forms G2118C.
Identifiers: ClinVar variation 662221 (VCV000662221.10), dbSNP rs747676783, ClinGen allele CA3870182.